The following is an entry in ClinVar:

NM_005869.4(CWC27):c.756del (p.Gly253fs)

Gene: CWC27 (CWC27 spliceosome associated cyclophilin; plus strand). Cytogenetic location: 5q12.3.
Variant type: Deletion.
Coding change: c.756del on transcript NM_005869.4 (MANE Select); coding-DNA position 756, one base deleted (A; older notation c.756delA).
Protein change: p.Gly253fs; shifts the reading frame from glycine 253.
Molecular consequence: frameshift variant.
Genome position (GRCh38, 1-based): chr5:64,801,308, A deleted; the last of 5 consecutive A bases (chr5:64,801,304-64,801,308); deleting any one gives the same sequence. VCF-style (leftmost placement, unchanged base first): chr5-64801303-GA-G. GRCh37 (hg19) VCF-style: chr5-64097130-GA-G.
Other names: c.756del, p.Gly253fs (NM_001297644.1, NM_001297645.2, NM_001318000.2 and 1 more transcripts); short protein forms G253fs.
Identifiers: ClinVar variation 1452324 (VCV001452324.8), dbSNP rs2112207891, ClinGen allele CA559826647.
Genomic context (GRCh38, chr5:64,801,303, plus strand): 5'-AAATAATTGTGTTAGTTTTACCTTGAAACTAAAATTTGTTTTGCTTATTTTTTTTATAGT[GA>G]AAAAGGTGATGCACCAGATTTAGTTGATGTAAGTATTTATTTTGGTATTAATATAGTTTG-3'

ClinVar aggregate classification (germline): Pathogenic/Likely pathogenic. Review status: criteria provided, multiple submitters, no conflicts (2 of 4 stars). 3 submissions from 3 submitters: Pathogenic (2); Likely pathogenic (1). Last evaluated 2024-12-04.

Conditions:
Metaphyseal chondrodysplasia-retinitis pigmentosa syndrome. Also called: Retinitis pigmentosa with or without skeletal anomalies. Identifiers: Orphanet 166035, MedGen C1855188, MONDO:0009598, OMIM 250410.

Submissions (3):

3billion
Classification: Pathogenic for Metaphyseal chondrodysplasia-retinitis pigmentosa syndrome. Last evaluated: 2024-12-04. Review status: criteria provided, single submitter. Criteria: ACMG Guidelines, 2015. Collection method: clinical testing. Allele origin: germline. Affected: yes.
Comment: The variant is observed at an extremely low frequency in the gnomAD v4.1.0 dataset (total allele frequency: 0.002%). Predicted Consequence/Location: Frameshift: predicted to result in a loss or disruption of normal protein function through nonsense-mediated decay (NMD) or protein truncation. Multiple pathogenic variants are reported downstream of the variant. The variant has been reported to be associated with CWC27-related disorder (ClinVar ID: VCV001452324 /PMID: 36718996). Therefore, this variant is classified as Pathogenic according to the recommendation of ACMG/AMP guideline.

Fulgent Genetics
Classification: Likely pathogenic for Metaphyseal chondrodysplasia-retinitis pigmentosa syndrome. Last evaluated: 2024-05-18. Review status: criteria provided, single submitter. Criteria: ACMG Guidelines, 2015. Collection method: clinical testing. Allele origin: germline.

Labcorp Genetics (formerly Invitae), Labcorp
Classification: Pathogenic. Last evaluated: 2022-05-29. Review status: criteria provided, single submitter. Criteria: Invitae Variant Classification Sherloc (09022015). Collection method: clinical testing. Allele origin: germline.
Comment: For these reasons, this variant has been classified as Pathogenic. ClinVar contains an entry for this variant (Variation ID: 1452324). This sequence change creates a premature translational stop signal (p.Gly253Valfs*6) in the CWC27 gene. It is expected to result in an absent or disrupted protein product. Loss-of-function variants in CWC27 are known to be pathogenic (PMID: 28285769). The frequency data for this variant in the population databases is considered unreliable, as metrics indicate poor data quality at this position in the gnomAD database. This variant has not been reported in the literature in individuals affected with CWC27-related conditions.

Literature cited by the submitters: PubMed 36718996 (cited by 3billion); PubMed 28285769 (cited by Labcorp Genetics (formerly Invitae), Labcorp).